The following is an entry in ClinVar:

ClinVar aggregate classification (germline): Uncertain significance (1 of 4 stars; one submission).

Conditions:
Leber congenital amaurosis 12 (LCA12). Identifiers: Orphanet 65, MedGen C1857743, MONDO:0012525, OMIM 610612.

Allele frequency attached by ClinVar (database versions not stated): ExAC 0.00002; gnomAD 0.00002; gnomAD exomes 0.00002 and 0.00004; TOPMed 0.00002; ESP Exome Variant Server 0.00008.

Submission:

Labcorp Genetics (formerly Invitae), Labcorp
Classification: Uncertain significance for Leber congenital amaurosis 12. Last evaluated: 2025-03-26. Review status: criteria provided, single submitter. Criteria: Invitae Variant Classification Sherloc (09022015). Collection method: clinical testing. Allele origin: germline.
Comment: This sequence change replaces arginine, which is basic and polar, with glutamine, which is neutral and polar, at codon 8 of the RD3 protein (p.Arg8Gln). This variant is present in population databases (rs368631943, gnomAD 0.007%). This variant has not been reported in the literature in individuals affected with RD3-related conditions. ClinVar contains an entry for this variant (Variation ID: 1394609). An algorithm developed to predict the effect of missense changes on protein structure and function (PolyPhen-2) suggests that this variant is likely to be tolerated. In summary, the available evidence is currently insufficient to determine the role of this variant in disease. Therefore, it has been classified as a Variant of Uncertain Significance.

NM_001164688.2(RD3):c.23G>A (p.Arg8Gln)

Gene: RD3 (RD3 regulator of GUCY2D; minus strand). Cytogenetic location: 1q32.3.
Variant type: single nucleotide variant.
Coding change: c.23G>A on transcript NM_001164688.2 (MANE Select); coding-DNA position 23, G replaced by A.
Protein change: p.Arg8Gln; replaces arginine 8 with glutamine.
Molecular consequence: missense variant.
Genome position (GRCh38, 1-based): chr1:211,481,393, C>T on the plus strand (G>A on the coding strand, the complement: RD3 is on the minus strand). VCF-style: chr1-211481393-C-T. GRCh37 (hg19) VCF-style: chr1-211654735-C-T.
Other names: c.23G>A, p.Arg8Gln (NM_183059.3); short protein forms R8Q.
Identifiers: ClinVar variation 1394609 (VCV001394609.4), dbSNP rs368631943, ClinGen allele CA1381177.